The following is an entry in ClinVar:

NM_006767.4(LZTR1):c.4G>A (p.Ala2Thr)

Genes: LZTR1 (leucine zipper like post translational regulator 1; plus strand), LOC130067016 (ATAC-STARR-seq lymphoblastoid silent region 13504; plus strand). Cytogenetic location: 22q11.21.
Variant type: single nucleotide variant.
Coding change: c.4G>A on transcript NM_006767.4 (MANE Select); coding-DNA position 4, G replaced by A.
Protein change: p.Ala2Thr; replaces alanine 2 with threonine.
Molecular consequence: missense variant.
Genome position (GRCh38, 1-based): chr22:20,982,375, G>A. VCF-style: chr22-20982375-G-A. GRCh37 (hg19) VCF-style: chr22-21336664-G-A.
Other names: short protein forms A2T.
Identifiers: ClinVar variation 4745976 (VCV004745976.1).

ClinVar aggregate classification (germline): Uncertain significance (1 of 4 stars; one submission).

gnomAD v4.1: 1 of 1,551,960 alleles (0.000064%); highest among the groups gnomAD compares: Non-Finnish European, 0.000087%; no homozygotes.

Submission:

Labcorp Genetics (formerly Invitae), Labcorp
Classification: Uncertain significance. Last evaluated: 2025-05-26. Review status: criteria provided, single submitter. Criteria: Invitae Variant Classification Sherloc (09022015). Collection method: clinical testing. Allele origin: germline.
Comment: This sequence change replaces alanine, which is neutral and non-polar, with threonine, which is neutral and polar, at codon 2 of the LZTR1 protein (p.Ala2Thr). This variant is not present in population databases (gnomAD no frequency). This variant has not been reported in the literature in individuals affected with LZTR1-related conditions. Invitae Evidence Modeling of protein sequence and biophysical properties (such as structural, functional, and spatial information, amino acid conservation, physicochemical variation, residue mobility, and thermodynamic stability) indicates that this missense variant is not expected to disrupt LZTR1 protein function with a negative predictive value of 95%. In summary, the available evidence is currently insufficient to determine the role of this variant in disease. Therefore, it has been classified as a Variant of Uncertain Significance.